The following is an entry in ClinVar:

NM_001903.5(CTNNA1):c.1274A>C (p.Glu425Ala)

Gene: CTNNA1 (catenin alpha 1; plus strand). Cytogenetic location: 5q31.2.
Variant type: single nucleotide variant.
Coding change: c.1274A>C on transcript NM_001903.5 (MANE Select); coding-DNA position 1274, A replaced by C.
Protein change: p.Glu425Ala; replaces glutamic acid 425 with alanine.
Molecular consequence: missense variant. On other transcripts: 5 prime UTR variant (5), intron variant (2).
Genome position (GRCh38, 1-based): chr5:138,887,620, A>C. VCF-style: chr5-138887620-A-C. GRCh37 (hg19) VCF-style: chr5-138223309-A-C.
Other names: c.1274A>C (NM_001903.2); c.1274A>C, p.Glu425Ala (NM_001290307.3, NM_001323982.2, NM_001323983.1 and 3 more transcripts); c.965A>C, p.Glu322Ala (NM_001290309.3); c.905A>C, p.Glu302Ala (NM_001290310.3); c.164A>C, p.Glu55Ala (NM_001290312.1, NM_001323987.1, NM_001323988.1 and 18 more transcripts); c.-234A>C (NM_001324006.1, NM_001324007.1, NM_001324008.1 and 1 more transcripts); c.-109A>C (NM_001324013.1); c.-58+12023A>C (NM_001324012.1); and 1 more; short protein forms E425A, E55A, E302A, E322A.
Identifiers: ClinVar variation 1460912 (VCV001460912.7), dbSNP rs1289952917, ClinGen allele CA361133225.

ClinVar aggregate classification (germline): Uncertain significance. Review status: criteria provided, multiple submitters, no conflicts (2 of 4 stars). 2 submissions from 2 submitters: Uncertain significance (2). Last evaluated 2026-01-14.

Conditions:
Hereditary cancer-predisposing syndrome. Also called: Tumor predisposition; Hereditary neoplastic syndrome; Hereditary Cancer Syndrome; Neoplastic Syndromes, Hereditary. Identifiers: Orphanet 140162, MedGen C0027672, MeSH D009386, MONDO:0015356.

Allele frequency attached by ClinVar (database versions not stated): TOPMed below 0.00001.

Submissions (2):

Labcorp Genetics (formerly Invitae), Labcorp
Classification: Uncertain significance. Last evaluated: 2026-01-14. Review status: criteria provided, single submitter. Criteria: Invitae Variant Classification Sherloc (09022015). Collection method: clinical testing. Allele origin: germline.
Comment: This sequence change replaces glutamic acid, which is acidic and polar, with alanine, which is neutral and non-polar, at codon 425 of the CTNNA1 protein (p.Glu425Ala). This variant is not present in population databases (gnomAD no frequency). This variant has not been reported in the literature in individuals affected with CTNNA1-related conditions. ClinVar contains an entry for this variant (Variation ID: 1460912). Invitae Evidence Modeling of protein sequence and biophysical properties (such as structural, functional, and spatial information, amino acid conservation, physicochemical variation, residue mobility, and thermodynamic stability) indicates that this missense variant is not expected to disrupt CTNNA1 protein function with a negative predictive value of 80%. In summary, the available evidence is currently insufficient to determine the role of this variant in disease. Therefore, it has been classified as a Variant of Uncertain Significance.

Ambry Genetics
Classification: Uncertain significance for Hereditary cancer-predisposing syndrome. Last evaluated: 2025-06-01. Review status: criteria provided, single submitter. Criteria: Ambry Variant Classification Scheme 2023. Collection method: clinical testing. Allele origin: germline.
Comment: The p.E425A variant (also known as c.1274A>C), located in coding exon 8 of the CTNNA1 gene, results from an A to C substitution at nucleotide position 1274. The glutamic acid at codon 425 is replaced by alanine, an amino acid with dissimilar properties. This amino acid position is conserved. In addition, the in silico prediction for this alteration is inconclusive. Based on the available evidence, the clinical significance of this variant remains unclear.